The following is an entry in ClinVar:

ClinVar aggregate classification (germline): Pathogenic (1 of 4 stars; one submission).

Conditions:
CHARGE syndrome (CHARGE). Also called: Hittner Hirsch Kreh syndrome; CHARGE ASSOCIATION--COLOBOMA, HEART ANOMALY, CHOANAL ATRESIA, RETARDATION, GENITAL AND EAR ANOMALIES; Coloboma, heart anomaly, choanal atresia, retardation, genital and ear anomalies; CHARGE association; Hall-Hittner syndrome. Identifiers: Orphanet 138, MedGen C0265354, MONDO:0008965.

Submission:

Labcorp Genetics (formerly Invitae), Labcorp
Classification: Pathogenic for CHARGE syndrome. Last evaluated: 2025-10-19. Review status: criteria provided, single submitter. Criteria: Invitae Variant Classification Sherloc (09022015). Collection method: clinical testing. Allele origin: germline.
Comment: This sequence change creates a premature translational stop signal (p.Cys1091*) in the CHD7 gene. It is expected to result in an absent or disrupted protein product. Loss-of-function variants in CHD7 are known to be pathogenic (PMID: 22461308, 25077900). This variant is not present in population databases (gnomAD no frequency). This variant has not been reported in the literature in individuals affected with CHD7-related conditions. For these reasons, this variant has been classified as Pathogenic.

Literature cited by the submitters: PubMed 22461308; PubMed 25077900.

NM_017780.4(CHD7):c.3273T>A (p.Cys1091Ter)

Gene: CHD7 (chromodomain helicase DNA binding protein 7; plus strand). Cytogenetic location: 8q12.2.
Variant type: single nucleotide variant.
Coding change: c.3273T>A on transcript NM_017780.4 (MANE Select); coding-DNA position 3273, T replaced by A.
Protein change: p.Cys1091Ter; replaces cysteine 1091 with a stop codon.
Molecular consequence: nonsense. On other transcripts: intron variant (1).
Genome position (GRCh38, 1-based): chr8:60,823,911, T>A. VCF-style: chr8-60823911-T-A. GRCh37 (hg19) VCF-style: chr8-61736470-T-A.
Other names: c.1717-38318T>A (NM_001316690.1); short protein forms C1091*.
Identifiers: ClinVar variation 4729526 (VCV004729526.1).